The following is an entry in ClinVar:

ClinVar aggregate classification (germline): Uncertain significance (1 of 4 stars; one submission).

Conditions:
Familial sleep-related hypermotor epilepsy. Also called: Autosomal Dominant Sleep-Related Hypermotor (Hyperkinetic) Epilepsy. Identifiers: Orphanet 98784, MedGen C3696898, MONDO:0000030.

Submission:

Labcorp Genetics (formerly Invitae), Labcorp
Classification: Uncertain significance. Last evaluated: 2026-02-03. Review status: criteria provided, single submitter. Criteria: Invitae Variant Classification Sherloc (09022015). Collection method: clinical testing. Allele origin: germline.
Comment: This sequence change creates a premature translational stop signal (p.Pro375Argfs*6) in the CHRNA2 gene. It is expected to result in an absent or disrupted protein product. However, the current clinical and genetic evidence is not sufficient to establish whether loss-of-function variants in CHRNA2 cause disease. This variant is not present in population databases (gnomAD no frequency). This variant has not been reported in the literature in individuals affected with CHRNA2-related conditions. In summary, the available evidence is currently insufficient to determine the role of this variant in disease. Therefore, it has been classified as a Variant of Uncertain Significance.

NM_000742.4(CHRNA2):c.1122_1123dup (p.Pro375fs)

Gene: CHRNA2 (cholinergic receptor nicotinic alpha 2 subunit; minus strand). Cytogenetic location: 8p21.2.
Variant type: Duplication.
Coding change: c.1122_1123dup on transcript NM_000742.4 (MANE Select); coding-DNA positions 1122 to 1123, 2 bases duplicated (GC; older notation c.1122_1123dupGC).
Protein change: p.Pro375fs; shifts the reading frame from proline 375.
Molecular consequence: frameshift variant.
Genome position (GRCh38, 1-based): chr8:27,463,320-27,463,321, GC duplicated on the plus strand (GC on the coding strand, the reverse complement: CHRNA2 is on the minus strand). VCF-style (leftmost placement, unchanged base first): chr8-27463319-G-GGC. GRCh37 (hg19) VCF-style: chr8-27320836-G-GGC.
Other names: c.1077_1078dup, p.Pro360fs (NM_001282455.2); c.645_646dup, p.Pro216fs (NM_001347705.2, NM_001347706.2); c.528_529dup, p.Pro177fs (NM_001347707.2, NM_001347708.2); short protein forms P375fs, P360fs, P177fs, P216fs.
Identifiers: ClinVar variation 4777519 (VCV004777519.1).
Genomic context (GRCh38, chr8:27,463,319, plus strand): 5'-AGGCGTAGGGGGTGGCAGAGCTCCACGGGTGGTGGGGGCCGGTTCATCAGAAGCCACCGG[G>GGC]GCACACAGCCCAGAAGGGCCCCCCGCACCCAGTGGGGCATGGTGTGGGTGCTGGGGGAGC-3'